The following is an entry in ClinVar:

NM_001276270.2(MBD4):c.656G>T (p.Gly219Val)

Gene: MBD4 (methyl-CpG binding domain 4, DNA glycosylase; minus strand). Cytogenetic location: 3q21.3.
Variant type: single nucleotide variant.
Coding change: c.656G>T on transcript NM_001276270.2 (MANE Select); coding-DNA position 656, G replaced by T.
Protein change: p.Gly219Val; replaces glycine 219 with valine.
Molecular consequence: missense variant. On other transcripts: intron variant (1).
Genome position (GRCh38, 1-based): chr3:129,436,988, C>A on the plus strand (G>T on the coding strand, the complement: MBD4 is on the minus strand). VCF-style: chr3-129436988-C-A. GRCh37 (hg19) VCF-style: chr3-129155831-C-A.
Other names: c.656G>T, p.Gly219Val (NM_001276271.2, NM_001276272.2, NM_003925.3); c.247+820G>T (NM_001276273.2); short protein forms G219V.
Identifiers: ClinVar variation 3676872 (VCV003676872.3).

ClinVar aggregate classification (germline): Uncertain significance. Review status: criteria provided, multiple submitters, no conflicts (2 of 4 stars). 2 submissions from 2 submitters: Uncertain significance (2). Last evaluated 2025-12-14.

Conditions:
Inborn genetic diseases. Identifiers: MedGen C0950123, MeSH D030342.

Submissions (2):

Labcorp Genetics (formerly Invitae), Labcorp
Classification: Uncertain significance. Last evaluated: 2025-12-14. Review status: criteria provided, single submitter. Criteria: Invitae Variant Classification Sherloc (09022015). Collection method: clinical testing. Allele origin: germline.
Comment: This sequence change replaces glycine, which is neutral and non-polar, with valine, which is neutral and non-polar, at codon 219 of the MBD4 protein (p.Gly219Val). This variant is present in population databases (no rsID available, gnomAD 0.01%). This variant has not been reported in the literature in individuals affected with MBD4-related conditions. ClinVar contains an entry for this variant (Variation ID: 3676872). An algorithm developed to predict the effect of missense changes on protein structure and function (PolyPhen-2) suggests that this variant is likely to be tolerated. In summary, the available evidence is currently insufficient to determine the role of this variant in disease. Therefore, it has been classified as a Variant of Uncertain Significance.

Ambry Genetics
Classification: Uncertain significance for Inborn genetic diseases. Last evaluated: 2025-05-08. Review status: criteria provided, single submitter. Criteria: Ambry Variant Classification Scheme 2023. Collection method: clinical testing. Allele origin: germline.
Comment: The p.G219V variant (also known as c.656G>T), located in coding exon 3 of the MBD4 gene, results from a G to T substitution at nucleotide position 656. The glycine at codon 219 is replaced by valine, an amino acid with dissimilar properties. This amino acid position is conserved. In addition, this alteration is predicted to be tolerated by in silico analysis. Based on the available evidence, the clinical significance of this variant remains unclear.